The following is an entry in ClinVar:

ClinVar aggregate classification (germline): Uncertain significance (1 of 4 stars; one submission).

Conditions:
Hereditary cancer-predisposing syndrome. Also called: Tumor predisposition; Neoplastic Syndromes, Hereditary; Hereditary Cancer Syndrome; Hereditary neoplastic syndrome. Identifiers: Orphanet 140162, MedGen C0027672, MeSH D009386, MONDO:0015356.

Submission:

Ambry Genetics
Classification: Uncertain significance for Hereditary cancer-predisposing syndrome. Last evaluated: 2024-07-18. Review status: criteria provided, single submitter. Criteria: Ambry Variant Classification Scheme 2023. Collection method: clinical testing. Allele origin: germline.
Comment: The p.N144K variant (also known as c.432T>A), located in coding exon 5 of the BRCA1 gene, results from a T to A substitution at nucleotide position 432. The asparagine at codon 144 is replaced by lysine, an amino acid with similar properties. This amino acid position is well conserved in available vertebrate species. In addition, the in silico prediction for this alteration is inconclusive. Based on the available evidence, the clinical significance of this variant remains unclear.

NM_007294.4(BRCA1):c.432T>A (p.Asn144Lys)

Gene: BRCA1 (BRCA1 DNA repair associated; minus strand). Cytogenetic location: 17q21.31.
Variant type: single nucleotide variant.
Coding change: c.432T>A on transcript NM_007294.4 (MANE Select); coding-DNA position 432, T replaced by A.
Protein change: p.Asn144Lys; replaces asparagine 144 with lysine.
Molecular consequence: missense variant. On other transcripts: intron variant (2).
Genome position (GRCh38, 1-based): chr17:43,104,131, A>T on the plus strand (T>A on the coding strand, the complement: BRCA1 is on the minus strand). VCF-style: chr17-43104131-A-T. GRCh37 (hg19) VCF-style: chr17-41256148-A-T.
Other names: c.222T>A, p.Asn74Lys (NM_001407907.1, NM_001407908.1, NM_001407909.1 and 58 more transcripts); c.432T>A, p.Asn144Lys (NM_001407610.1, NM_001407613.1, NM_001407614.1 and 164 more transcripts); c.354T>A, p.Asn118Lys (NM_001407658.1, NM_001407659.1, NM_001407660.1 and 21 more transcripts); c.291T>A, p.Asn97Lys (NM_001407692.1, NM_001407694.1, NM_001407695.1 and 99 more transcripts); c.51T>A, p.Asn17Lys (NM_001407959.1, NM_001407960.1, NM_001407962.1 and 4 more transcripts); c.423T>A, p.Asn141Lys (NM_001408408.1, NM_001407646.1, NM_001407647.1); c.300T>A, p.Asn100Lys (NM_001408451.1); c.-218-9271T>A (NM_001407967.1, NM_001407966.1); short protein forms N144K, N74K, N97K, N141K, N118K, N17K, N100K.
Identifiers: ClinVar variation 3481791 (VCV003481791.1).